The following is an entry in ClinVar:

ClinVar aggregate classification (germline): Conflicting classifications of pathogenicity. Review status: criteria provided, conflicting classifications (1 of 4 stars). 5 submissions from 5 submitters: Uncertain significance (2); Likely benign (3). Last evaluated 2026-01-24.

Conditions:
SGCA-related disorder. Also called: SGCA-related condition.
Autosomal recessive limb-girdle muscular dystrophy type 2D (LGMDR3). Also called: MUSCULAR DYSTROPHY, LIMB-GIRDLE, AUTOSOMAL RECESSIVE 3; ADHALINOPATHY, PRIMARY; DUCHENNE-LIKE AUTOSOMAL RECESSIVE MUSCULAR DYSTROPHY, TYPE 2. Identifiers: Orphanet 62, MedGen C2936332, MONDO:0011968, OMIM 608099. Disease mechanism: Affects gamma-sarcoglycan and also disrupts the integrity of the entire sarcoglycan complex..

Allele frequency attached by ClinVar (database versions not stated): TOPMed 0.00001; ExAC 0.00004; gnomAD 0.00004; gnomAD exomes 0.00004 and 0.00005.

Submissions (5):

Labcorp Genetics (formerly Invitae), Labcorp
Classification: Likely benign for Autosomal recessive limb-girdle muscular dystrophy type 2D. Last evaluated: 2026-01-24. Review status: criteria provided, single submitter. Criteria: Invitae Variant Classification Sherloc (09022015). Collection method: clinical testing. Allele origin: germline.

PreventionGenetics, part of Exact Sciences
Classification: Likely benign for SGCA-related condition. Last evaluated: 2024-11-26. Review status: criteria provided, single submitter. Criteria: ACMG Guidelines, 2015. Collection method: clinical testing. Allele origin: germline.
Comment: This variant is classified as likely benign based on ACMG/AMP sequence variant interpretation guidelines (Richards et al. 2015 PMID: 25741868, with internal and published modifications).

CeGaT Center for Human Genetics Tuebingen
Classification: Likely benign. Last evaluated: 2023-11-01. Review status: criteria provided, single submitter. Criteria: CeGaT Center For Human Genetics Tuebingen Variant Classification Criteria Version 2. Collection method: clinical testing. Allele origin: germline. Affected: yes. Observed: 1 variant allele.
Comment: SGCA: BP4, BP7

GeneDx
Classification: Uncertain significance. Last evaluated: 2018-03-15. Review status: criteria provided, single submitter. Criteria: GeneDx Variant Classification (06012015). Collection method: clinical testing. Allele origin: germline. Affected: yes.
Comment: The c.270 C>T variant in the SGCA gene has not been reported previously as a pathogenic variant nor as a benign variant, to our knowledge. The c.270 C>T variant is observed in 6/25644 (0.02%) alleles from individuals of Finnish European background in large population cohorts, and no individuals were reported to be homozygous (Lek et al., 2016). The c.270 C>T variant represents a synonymous amino acid substitution that occurs at a position that is not conserved across species. In silico prediction models predict that c.270 C>T may enhance a cryptic splice acceptor site in exon 3, and may cause abnormal gene splicing. However, in the absence of RNA/functional studies, the actual effect of this sequence change in this individual is unknown. We interpret c.270 C>T as a variant of uncertain significance.

Eurofins Ntd Llc (ga)
Classification: Uncertain significance. Last evaluated: 2016-08-16. Review status: criteria provided, single submitter. Criteria: EGL Classification Definitions 2015. Collection method: clinical testing. Allele origin: germline. Observed: 1 variant allele, 1 heterozygote.

NM_000023.4(SGCA):c.270C>T (p.Tyr90=)

Gene: SGCA (sarcoglycan alpha; plus strand). Cytogenetic location: 17q21.33.
Variant type: single nucleotide variant.
Coding change: c.270C>T on transcript NM_000023.4 (MANE Select); coding-DNA position 270, C replaced by T.
Protein change: p.Tyr90=; no amino-acid change (tyrosine 90 retained).
Molecular consequence: synonymous variant. On other transcripts: non-coding transcript variant (1).
Genome position (GRCh38, 1-based): chr17:50,167,694, C>T. VCF-style: chr17-50167694-C-T. GRCh37 (hg19) VCF-style: chr17-48245055-C-T.
Other names: c.270C>T (NM_000023.3); c.270C>T, p.Tyr90= (NM_001135697.3).
Identifiers: ClinVar variation 289891 (VCV000289891.40), dbSNP rs749205073, ClinGen allele CA8643741.